The following is an entry in ClinVar:

NM_000232.5(SGCB):c.199_210del (p.Cys67_Ile70del)

Gene: SGCB (sarcoglycan beta; minus strand). Cytogenetic location: 4q12.
Variant type: Deletion.
Coding change: c.199_210del on transcript NM_000232.5 (MANE Select); coding-DNA positions 199 to 210, 12 bases deleted (TGTGTGATTATC).
Protein change: p.Cys67_Ile70del.
Molecular consequence: inframe deletion.
Genome position (GRCh38, 1-based): chr4:52,033,464-52,033,475, GATAATCACACA deleted on the plus strand (TGTGTGATTATC on the coding strand, the reverse complement: SGCB is on the minus strand); deleting any 12 consecutive bases within chr4:52,033,464-52,033,478 gives the same sequence; the c. name uses the placement nearest the transcript's 3' end. VCF-style (leftmost placement, unchanged base first): chr4-52033463-GGATAATCACACA-G. GRCh37 (hg19) VCF-style: chr4-52899629-GGATAATCACACA-G.
Other names: NM_000232.5(SGCB):c.199_210del; p.Cys67_Ile70del.
Identifiers: ClinVar variation 284504 (VCV000284504.6), dbSNP rs886042890, ClinGen allele CA10604820.

ClinVar aggregate classification (germline): Uncertain significance. Review status: reviewed by expert panel (3 of 4 stars). 2 submissions from 2 submitters: Uncertain significance (1). 1 of the submissions does not count toward it. Last evaluated 2025-01-08.

Conditions:
Autosomal recessive limb-girdle muscular dystrophy. Identifiers: Orphanet 102015, MedGen C2931907, MONDO:0015152.

Submissions (2):

ClinGen Limb Girdle Muscular Dystrophy Variant Curation Expert Panel, ClinGen
Classification: Uncertain significance for Autosomal recessive limb-girdle muscular dystrophy. Last evaluated: 2025-01-08. Review status: reviewed by expert panel. Criteria: ClinGen LGMD VCEP ACMG Specifications SGCB V1.0.0. Collection method: curation. Allele origin: germline. Inheritance: Autosomal recessive inheritance.
Comment: The NM_000232.5: c.199_210del variant in SGCB is predicted to cause a change in the length of the protein due to an in-frame deletion of four amino acids in a non-repeat region, p.(Cys67_Ile70del) (PM4). At least one individual with this variant and a second SGCB variant was clinically suspected to have limb girdle muscular dystrophy (LOVD Individual #00220457, PMID: 30564623; PP4). This variant is absent from gnomAD v2.1.1 and v3.1.2 (PM2_Supporting). In summary, this variant cannot be classified as pathogenic nor benign at this time and remains a variant of uncertain significance for autosomal recessive limb girdle muscular dystrophy based on the ACMG/AMP criteria applied, as specified by the ClinGen LGMD VCEP (LGMD VCEP specifications version 1.0.0; 01/08/2025): PM4, PP4, PM2_Supporting.

Eurofins Ntd Llc (ga)
Classification: Uncertain significance. Last evaluated: 2015-11-05. Review status: criteria provided, single submitter. Criteria: EGL Classification Definitions 2015. Collection method: clinical testing. Allele origin: germline. Observed: 1 variant allele, 1 heterozygote. Not counted in ClinVar's aggregate classification.